The following is an entry in ClinVar:

NM_012275.3(IL36RN):c.*281G>A

Gene: IL36RN (interleukin 36 receptor antagonist; plus strand). Cytogenetic location: 2q14.1.
Variant type: single nucleotide variant.
Coding change: c.*281G>A on transcript NM_012275.3 (MANE Select); 281 bases downstream of the stop codon, G replaced by A.
Molecular consequence: 3 prime UTR variant.
Genome position (GRCh38, 1-based): chr2:113,062,958, G>A. VCF-style: chr2-113062958-G-A. GRCh37 (hg19) VCF-style: chr2-113820535-G-A.
Other names: c.*281G>A (NM_173170.1).
Identifiers: ClinVar variation 330785 (VCV000330785.5), dbSNP rs80220660, ClinGen allele CA10611812.

ClinVar aggregate classification (germline): Likely benign (1 of 4 stars; one submission).

Conditions:
Generalized pustular psoriasis. Identifiers: Orphanet 247353, MedGen C0343055, MONDO:0100491.

Allele frequency attached by ClinVar (database versions not stated): gnomAD 0.00054 and 0.00090; TOPMed 0.00071; gnomAD exomes 0.00190; 1000 Genomes Project 30x 0.00359; 1000 Genomes Project 0.00419.

Submission:

Illumina Laboratory Services, Illumina
Classification: Likely benign for Acrodermatitis continua suppurativa of Hallopeau. Last evaluated: 2018-01-13. Review status: criteria provided, single submitter. Criteria: ICSL Variant Classification Criteria 13 December 2019. Collection method: clinical testing. Allele origin: germline.
Comment: This variant was observed in the ICSL laboratory as part of a predisposition screen in an ostensibly healthy population. It had not been previously curated by ICSL or reported in the Human Gene Mutation Database (HGMD: prior to June 1st, 2018), and was therefore a candidate for classification through an automated scoring system. Utilizing variant allele frequency, disease prevalence and penetrance estimates, and inheritance mode, an automated score was calculated to assess if this variant is too frequent to cause the disease. Based on the score and internal cut-off values, a variant classified as likely benign is not then subjected to further curation. The score for this variant resulted in a classification of likely benign for this disease.